The following is an entry in ClinVar:

ClinVar aggregate classification (germline): Uncertain significance. Review status: criteria provided, single submitter (1 of 4 stars). 2 submissions from 2 submitters: Uncertain significance (1). 1 of the submissions does not count toward it. Last evaluated 2016-09-02.

Conditions:
Dystrophin deficiency.
Cardiomyopathy (CMYO). Also called: Cardiomyopathies. Identifiers: Orphanet 167848, MedGen C0878544, MONDO:0004994, HP:0001638. Inheritance: Various modes of inheritance.
Becker muscular dystrophy (BMD). Also called: Becker Muscular Dystrophy (BMD); MUSCULAR DYSTROPHY, PSEUDOHYPERTROPHIC PROGRESSIVE, BECKER TYPE. Identifiers: Orphanet 98895, MedGen C0917713, MONDO:0010311, OMIM 300376.
Duchenne muscular dystrophy (DMD). Also called: Duchenne Muscular Dystrophy (DMD); MUSCULAR DYSTROPHY, PSEUDOHYPERTROPHIC PROGRESSIVE, DUCHENNE TYPE. Identifiers: Orphanet 98896, MedGen C0013264, MONDO:0010679, OMIM 310200.
Cardiovascular phenotype. Identifiers: MedGen CN230736.

Submissions (2):

Ambry Genetics
Classification: Uncertain significance for Cardiovascular phenotype. Last evaluated: 2016-09-02. Review status: criteria provided, single submitter. Criteria: Ambry Autosomal Dominant and X-Linked criteria (10/2015). Collection method: clinical testing. Allele origin: germline. Observed: 1 variant allele.
Comment: There is insufficient or conflicting evidence for classification of this alteration.

Natera, Inc.
Classification: Uncertain significance for Becker muscular dystrophy; Cardiomyopathy; Duchenne muscular dystrophy; Dystrophin deficiency. Last evaluated: 2021-09-14. Review status: no assertion criteria provided. Collection method: clinical testing. Allele origin: germline. Not counted in ClinVar's aggregate classification.

NM_004006.3(DMD):c.4345-4dup

Gene: DMD (dystrophin; minus strand). Cytogenetic location: Xp21.1.
Variant type: Duplication.
Coding change: c.4345-4dup on transcript NM_004006.3 (MANE Select); 4 bases into the intron before coding-DNA position 4345, one base duplicated (A; older notation c.4345-4dupA).
Molecular consequence: intron variant.
Genome position (GRCh38, 1-based): chrX:32,389,678, T duplicated on the plus strand (A on the coding strand, the reverse complement: DMD is on the minus strand). VCF-style (leftmost placement, unchanged base first): chrX-32389677-G-GT. GRCh37 (hg19) VCF-style: chrX-32407794-G-GT.
Other names: c.4345-4dupA (NM_004006.2); c.4321-4dup (NM_000109.4); c.322-4dup (NM_004011.4); c.313-4dup (NM_004012.4); c.4333-4dup (NM_004009.3); c.3976-4dup (NM_004010.3).
Identifiers: ClinVar variation 518813 (VCV000518813.4), dbSNP rs1557322418, ClinGen allele CA658799658.